The following is an entry in ClinVar:

NM_004667.6(HERC2):c.7195G>T (p.Asp2399Tyr)

Gene: HERC2 (HECT and RLD domain containing E3 ubiquitin protein ligase 2; minus strand). Cytogenetic location: 15q13.1.
Variant type: single nucleotide variant.
Coding change: c.7195G>T on transcript NM_004667.6 (MANE Select); coding-DNA position 7195, G replaced by T.
Protein change: p.Asp2399Tyr; replaces aspartic acid 2399 with tyrosine.
Molecular consequence: missense variant.
Genome position (GRCh38, 1-based): chr15:28,206,257, C>A on the plus strand (G>T on the coding strand, the complement: HERC2 is on the minus strand). VCF-style: chr15-28206257-C-A. GRCh37 (hg19) VCF-style: chr15-28451403-C-A.
Other names: c.7195G>T (NM_004667.4); short protein forms D2399Y.
Identifiers: ClinVar variation 429358 (VCV000429358.3), dbSNP rs201681256, ClinGen allele CA7441868.

ClinVar aggregate classification (germline): Conflicting classifications of pathogenicity. Review status: criteria provided, conflicting classifications (1 of 4 stars). 2 submissions from 2 submitters: Uncertain significance (1); Likely benign (1). Last evaluated 2025-09-30.

Conditions:
Inborn genetic diseases. Identifiers: MedGen C0950123, MeSH D030342.

Allele frequency attached by ClinVar (database versions not stated): gnomAD 0.00162 and 0.00172; 1000 Genomes Project 30x 0.00141; gnomAD exomes 0.00063; ESP Exome Variant Server 0.00130; 1000 Genomes Project 0.00200; TOPMed 0.00205.

Submissions (2):

GeneDx
Classification: Uncertain significance. Last evaluated: 2025-09-30. Review status: criteria provided, single submitter. Criteria: GeneDx Variant Classification Process June 2021. Collection method: clinical testing. Allele origin: germline. Affected: yes.
Comment: In silico analysis supports that this missense variant has a deleterious effect on protein structure/function; Has not been previously published as pathogenic or benign to our knowledge

Ambry Genetics
Classification: Likely benign for Inborn genetic diseases. Last evaluated: 2024-11-12. Review status: criteria provided, single submitter. Criteria: Ambry Variant Classification Scheme 2023. Collection method: clinical testing. Allele origin: germline.